The following is an entry in ClinVar:

ClinVar aggregate classification (germline): Uncertain significance. Review status: criteria provided, multiple submitters, no conflicts (2 of 4 stars). 2 submissions from 2 submitters: Uncertain significance (2). Last evaluated 2026-07-02.

Conditions:
Oligodontia-cancer predisposition syndrome. Also called: TOOTH AGENESIS-COLORECTAL CANCER SYNDROME. Identifiers: Orphanet 300576, MedGen C1837750, MONDO:0012075, OMIM 608615. Disease mechanism: loss of function.
Hereditary cancer-predisposing syndrome. Also called: Hereditary Cancer Syndrome; Hereditary neoplastic syndrome; Neoplastic Syndromes, Hereditary; Tumor predisposition. Identifiers: Orphanet 140162, MedGen C0027672, MeSH D009386, MONDO:0015356.

Allele frequency attached by ClinVar (database versions not stated): gnomAD exomes below 0.00001.

Submissions (2):

Ambry Genetics
Classification: Uncertain significance for Hereditary cancer-predisposing syndrome. Last evaluated: 2026-07-02. Review status: criteria provided, single submitter. Criteria: Ambry Variant Classification Scheme 2023. Collection method: clinical testing. Allele origin: germline.
Comment: The p.M362V variant (also known as c.1084A>G), located in coding exon 4 of the AXIN2 gene, results from an A to G substitution at nucleotide position 1084. The methionine at codon 362 is replaced by valine, an amino acid with highly similar properties. This amino acid position is conserved. In addition, the in silico prediction for this alteration is inconclusive. Based on the available evidence, the clinical significance of this variant remains unclear.

Labcorp Genetics (formerly Invitae), Labcorp
Classification: Uncertain significance for Oligodontia-cancer predisposition syndrome. Last evaluated: 2025-04-08. Review status: criteria provided, single submitter. Criteria: Invitae Variant Classification Sherloc (09022015). Collection method: clinical testing. Allele origin: germline.
Comment: This sequence change replaces methionine, which is neutral and non-polar, with valine, which is neutral and non-polar, at codon 362 of the AXIN2 protein (p.Met362Val). This variant is not present in population databases (gnomAD no frequency). This variant has not been reported in the literature in individuals affected with AXIN2-related conditions. ClinVar contains an entry for this variant (Variation ID: 2860872). Invitae Evidence Modeling of protein sequence and biophysical properties (such as structural, functional, and spatial information, amino acid conservation, physicochemical variation, residue mobility, and thermodynamic stability) indicates that this missense variant is not expected to disrupt AXIN2 protein function with a negative predictive value of 80%. In summary, the available evidence is currently insufficient to determine the role of this variant in disease. Therefore, it has been classified as a Variant of Uncertain Significance.

NM_004655.4(AXIN2):c.1084A>G (p.Met362Val)

Gene: AXIN2 (axin 2; minus strand). Cytogenetic location: 17q24.1.
Variant type: single nucleotide variant.
Coding change: c.1084A>G on transcript NM_004655.4 (MANE Select); coding-DNA position 1084, A replaced by G.
Protein change: p.Met362Val; replaces methionine 362 with valine.
Molecular consequence: missense variant.
Genome position (GRCh38, 1-based): chr17:65,538,319, T>C on the plus strand (A>G on the coding strand, the complement: AXIN2 is on the minus strand). VCF-style: chr17-65538319-T-C. GRCh37 (hg19) VCF-style: chr17-63534437-T-C.
Other names: c.1084A>G, p.Met362Val (NM_001363813.1); short protein forms M362V.
Identifiers: ClinVar variation 2860872 (VCV002860872.4), dbSNP rs2544183086, ClinGen allele CA400678552.